The following is an entry in ClinVar:

ClinVar aggregate classification (germline): Uncertain significance (1 of 4 stars; one submission).

Submission:

GeneDx
Classification: Uncertain significance. Last evaluated: 2024-04-08. Review status: criteria provided, single submitter. Criteria: GeneDx Variant Classification Process June 2021. Collection method: clinical testing. Allele origin: germline. Affected: yes.
Comment: Not observed at significant frequency in large population cohorts (gnomAD); In silico analysis supports that this missense variant has a deleterious effect on protein structure/function; Has not been previously published as pathogenic or benign to our knowledge

NM_006096.4(NDRG1):c.1004C>T (p.Thr335Ile)

Gene: NDRG1 (N-myc downstream regulated 1; minus strand). Cytogenetic location: 8q24.22.
Variant type: single nucleotide variant.
Coding change: c.1004C>T on transcript NM_006096.4 (MANE Select); coding-DNA position 1004, C replaced by T.
Protein change: p.Thr335Ile; replaces threonine 335 with isoleucine.
Molecular consequence: missense variant.
Genome position (GRCh38, 1-based): chr8:133,239,059, G>A on the plus strand (C>T on the coding strand, the complement: NDRG1 is on the minus strand). VCF-style: chr8-133239059-G-A. GRCh37 (hg19) VCF-style: chr8-134251302-G-A.
Other names: c.1004C>T, p.Thr335Ile (NM_001135242.2, NM_001374845.1, NM_001374846.1); c.806C>T, p.Thr269Ile (NM_001258432.2, NM_001374847.1); c.761C>T, p.Thr254Ile (NM_001258433.2); c.1055C>T, p.Thr352Ile (NM_001374844.1); short protein forms T254I, T269I, T335I, T352I.
Identifiers: ClinVar variation 3372279 (VCV003372279.1).
Genomic context (GRCh38, chr8:133,239,059, plus strand): 5'-TGGGAGCGGCTTCGGGTGCCCTCGCTGGTGTGGGAGCGGCTGCGGGTGCCATCCAGAGAA[G>A]TGACGCTGGAACCAGAGGCTGTGCGGGACCGCATCAGGCGGGTCATGCTAGCCGAGGGCA-3'
Protein context (NP_006087.2, residues 325-345): RSRTASGSSV[Thr335Ile]SLDGTRSRSH